The following is an entry in ClinVar:

ClinVar aggregate classification (germline): Benign/Likely benign. Review status: criteria provided, multiple submitters, no conflicts (2 of 4 stars). 2 submissions from 2 submitters: Benign (1); Likely benign (1). Last evaluated 2026-09-01.

Allele frequency attached by ClinVar (database versions not stated): 1000 Genomes Project 30x 0.00016; 1000 Genomes Project 0.00020; gnomAD 0.00098 and 0.00108; TOPMed 0.00105; gnomAD exomes 0.00170; ESP Exome Variant Server 0.00175; ExAC 0.00258.
gnomAD v4.1: 1,998 of 1,551,670 alleles (0.13%); highest among the groups gnomAD compares: Non-Finnish European, 0.11%; 9 homozygotes.

Submissions (2):

CeGaT Center for Human Genetics Tuebingen
Classification: Likely benign. Last evaluated: 2026-09-01. Review status: criteria provided, single submitter. Criteria: CeGaT Center For Human Genetics Tuebingen Variant Classification Criteria Version 2. Collection method: clinical testing. Allele origin: germline. Affected: yes. Observed: 1 variant allele.
Comment: FOXI3: BP4, BP7

Labcorp Genetics (formerly Invitae), Labcorp
Classification: Benign. Last evaluated: 2026-01-21. Review status: criteria provided, single submitter. Criteria: Invitae Variant Classification Sherloc (09022015). Collection method: clinical testing. Allele origin: germline.

NM_001135649.3(FOXI3):c.1026C>T (p.Ile342=)

Gene: FOXI3 (forkhead box I3; minus strand). Cytogenetic location: 2p11.2.
Variant type: single nucleotide variant.
Coding change: c.1026C>T on transcript NM_001135649.3 (MANE Select); coding-DNA position 1026, C replaced by T.
Protein change: p.Ile342=; no amino-acid change (isoleucine 342 retained).
Molecular consequence: synonymous variant.
Genome position (GRCh38, 1-based): chr2:88,448,444, G>A on the plus strand (C>T on the coding strand, the complement: FOXI3 is on the minus strand). VCF-style: chr2-88448444-G-A. GRCh37 (hg19) VCF-style: chr2-88747963-G-A.
Identifiers: ClinVar variation 1164108 (VCV001164108.10), dbSNP rs200890046, ClinGen allele CA1753974.